The following is an entry in ClinVar:

ClinVar aggregate classification (germline): Uncertain significance (1 of 4 stars; one submission).

Conditions:
Arginase deficiency. Also called: ARGININEMIA; ARG1 DEFICIENCY; Arginase 1 Deficiency. Identifiers: Orphanet 90, MedGen C0268548, MONDO:0008814, OMIM 207800.

Allele frequency attached by ClinVar (database versions not stated): TOPMed 0.00002; gnomAD 0.00002; gnomAD exomes 0.00001.
gnomAD v4.1: 23 of 1,613,912 alleles (0.0014%); highest among the groups gnomAD compares: Non-Finnish European, 0.0019%; no homozygotes.

Submission:

Labcorp Genetics (formerly Invitae), Labcorp
Classification: Uncertain significance for Arginase deficiency. Last evaluated: 2022-08-20. Review status: criteria provided, single submitter. Criteria: Invitae Variant Classification Sherloc (09022015). Collection method: clinical testing. Allele origin: germline.
Comment: This sequence change replaces proline, which is neutral and non-polar, with leucine, which is neutral and non-polar, at codon 320 of the ARG1 protein (p.Pro320Leu). This variant is present in population databases (no rsID available, gnomAD 0.003%). This variant has not been reported in the literature in individuals affected with ARG1-related conditions. ClinVar contains an entry for this variant (Variation ID: 1401806). Algorithms developed to predict the effect of missense changes on protein structure and function (SIFT, PolyPhen-2, Align-GVGD) all suggest that this variant is likely to be tolerated. In summary, the available evidence is currently insufficient to determine the role of this variant in disease. Therefore, it has been classified as a Variant of Uncertain Significance.

NM_000045.4(ARG1):c.959C>T (p.Pro320Leu)

Genes: ARG1 (arginase 1; plus strand), MED23 (mediator complex subunit 23; minus strand). Cytogenetic location: 6q23.2.
Variant type: single nucleotide variant.
Coding change: c.959C>T on transcript NM_000045.4 (MANE Select); coding-DNA position 959, C replaced by T.
Protein change: p.Pro320Leu; replaces proline 320 with leucine.
Molecular consequence: missense variant. On other transcripts: non-coding transcript variant (1), intron variant (2).
Genome position (GRCh38, 1-based): chr6:131,583,898, C>T. VCF-style: chr6-131583898-C-T. GRCh37 (hg19) VCF-style: chr6-131905038-C-T.
Other names: c.983C>T, p.Pro328Leu (NM_001244438.2); c.704C>T, p.Pro235Leu (NM_001369020.1); c.4077+3811G>A (NM_001270521.2); c.4095+3811G>A (NM_015979.4); short protein forms P328L, P320L, P235L.
Identifiers: ClinVar variation 1401806 (VCV001401806.4), dbSNP rs1278453710, ClinGen allele CA365653792.